The following is an entry in ClinVar:

ClinVar aggregate classification (germline): Uncertain significance (1 of 4 stars; one submission).

Conditions:
Immunodeficiency, common variable, 4. Also called: ANTIBODY DEFICIENCY DUE TO BAFFR DEFECT. Identifiers: Orphanet 1572, Orphanet 696925, MedGen C3150739, MONDO:0013284, OMIM 613494.

Submission:

Labcorp Genetics (formerly Invitae), Labcorp
Classification: Uncertain significance for Immunodeficiency, common variable, 4. Last evaluated: 2025-11-19. Review status: criteria provided, single submitter. Criteria: Invitae Variant Classification Sherloc (09022015). Collection method: clinical testing. Allele origin: germline.
Comment: This variant, c.257_268del, results in the deletion of 4 amino acid(s) of the TNFRSF13C protein (p.Gly86_Leu89del), but otherwise preserves the integrity of the reading frame. This variant is present in population databases (rs745586116, gnomAD 0.009%). This variant has not been reported in the literature in individuals affected with TNFRSF13C-related conditions. ClinVar contains an entry for this variant (Variation ID: 951210). Experimental studies and prediction algorithms are not available or were not evaluated, and the functional significance of this variant is currently unknown. In summary, the available evidence is currently insufficient to determine the role of this variant in disease. Therefore, it has been classified as a Variant of Uncertain Significance.

NM_052945.4(TNFRSF13C):c.257_268del (p.Gly86_Leu89del)

Genes: TNFRSF13C (TNF receptor superfamily member 13C; minus strand), LOC130067574 (ATAC-STARR-seq lymphoblastoid silent region 13813; plus strand). Cytogenetic location: 22q13.2.
Variant type: Deletion.
Coding change: c.257_268del on transcript NM_052945.4 (MANE Select); coding-DNA positions 257 to 268, 12 bases deleted (GCCTGGCACTGG).
Protein change: p.Gly86_Leu89del.
Molecular consequence: inframe deletion.
Genome position (GRCh38, 1-based): chr22:41,926,200-41,926,211, CCAGTGCCAGGC deleted on the plus strand (GCCTGGCACTGG on the coding strand, the reverse complement: TNFRSF13C is on the minus strand); deleting any 12 consecutive bases within chr22:41,926,200-41,926,215 gives the same sequence; the c. name uses the placement nearest the transcript's 3' end. VCF-style (leftmost placement, unchanged base first): chr22-41926199-ACCAGTGCCAGGC-A. GRCh37 (hg19) VCF-style: chr22-42322203-ACCAGTGCCAGGC-A.
Identifiers: ClinVar variation 951210 (VCV000951210.10), dbSNP rs745586116, ClinGen allele CA10262495.
Genomic context (GRCh38, chr22:41,926,199, plus strand): 5'-CCGCGAAGCCGCCGCTGTCGCCGCCTCCAGCTCACCAGACCCACCAGGACCAGCGCCAGG[ACCAGTGCCAGGC>A]CCAGCAGCGCGGGGGCGCCAAAGAGCAGCCCGGGCAGGGGCAGCGCCGCCTCGCCGGCCC-3'